The following is an entry in ClinVar:

NM_000081.4(LYST):c.2089C>T (p.Gln697Ter)

Gene: LYST (lysosomal trafficking regulator; minus strand). Cytogenetic location: 1q42.3.
Variant type: single nucleotide variant.
Coding change: c.2089C>T on transcript NM_000081.4 (MANE Select); coding-DNA position 2089, C replaced by T.
Protein change: p.Gln697Ter; replaces glutamine 697 with a stop codon.
Molecular consequence: nonsense.
Genome position (GRCh38, 1-based): chr1:235,808,729, G>A on the plus strand (C>T on the coding strand, the complement: LYST is on the minus strand). VCF-style: chr1-235808729-G-A. GRCh37 (hg19) VCF-style: chr1-235972029-G-A.
Other names: c.2089C>T, p.Gln697Ter (NM_001301365.1); short protein forms Q697*.
Identifiers: ClinVar variation 3632818 (VCV003632818.2).

ClinVar aggregate classification (germline): Pathogenic (1 of 4 stars; one submission).

Conditions:
Chédiak-Higashi syndrome (CHS). Also called: Chediak-Higashi Syndrome. Identifiers: Orphanet 167, MedGen C0007965, MONDO:0008963, OMIM 214500.

Submission:

Labcorp Genetics (formerly Invitae), Labcorp
Classification: Pathogenic for Chédiak-Higashi syndrome. Last evaluated: 2024-11-27. Review status: criteria provided, single submitter. Criteria: Invitae Variant Classification Sherloc (09022015). Collection method: clinical testing. Allele origin: germline.
Comment: This sequence change creates a premature translational stop signal (p.Gln697*) in the LYST gene. It is expected to result in an absent or disrupted protein product. Loss-of-function variants in LYST are known to be pathogenic (PMID: 9215679, 11857544). This variant is not present in population databases (gnomAD no frequency). This variant has not been reported in the literature in individuals affected with LYST-related conditions. For these reasons, this variant has been classified as Pathogenic.

Literature cited by the submitters: PubMed 9215679; PubMed 11857544.